The following is an entry in ClinVar:

ClinVar aggregate classification (germline): Uncertain significance. Review status: criteria provided, multiple submitters, no conflicts (2 of 4 stars). 2 submissions from 2 submitters: Uncertain significance (2). Last evaluated 2024-06-05.

gnomAD v4.1: 1 of 1,613,078 alleles (0.000062%); highest among the groups gnomAD compares: Non-Finnish European, 0.000085%; no homozygotes.

Submissions (2):

Labcorp Genetics (formerly Invitae), Labcorp
Classification: Uncertain significance. Last evaluated: 2024-06-05. Review status: criteria provided, single submitter. Criteria: Invitae Variant Classification Sherloc (09022015). Collection method: clinical testing. Allele origin: germline.
Comment: This sequence change replaces serine, which is neutral and polar, with arginine, which is basic and polar, at codon 170 of the COL11A1 protein (p.Ser170Arg). This variant is not present in population databases (gnomAD no frequency). This variant has not been reported in the literature in individuals affected with COL11A1-related conditions. ClinVar contains an entry for this variant (Variation ID: 2171664). Advanced modeling of protein sequence and biophysical properties (such as structural, functional, and spatial information, amino acid conservation, physicochemical variation, residue mobility, and thermodynamic stability) performed at Invitae indicates that this missense variant is not expected to disrupt COL11A1 protein function with a negative predictive value of 95%. In summary, the available evidence is currently insufficient to determine the role of this variant in disease. Therefore, it has been classified as a Variant of Uncertain Significance.

Blueprint Genetics
Classification: Uncertain significance. Last evaluated: 2023-12-18. Review status: criteria provided, single submitter. Criteria: ACMG Guidelines, 2015. Collection method: clinical testing. Allele origin: germline.

NM_001854.4(COL11A1):c.510C>A (p.Ser170Arg)

Gene: COL11A1 (collagen type XI alpha 1 chain; minus strand). Cytogenetic location: 1p21.1.
Variant type: single nucleotide variant.
Coding change: c.510C>A on transcript NM_001854.4 (MANE Select); coding-DNA position 510, C replaced by A.
Protein change: p.Ser170Arg; replaces serine 170 with arginine.
Molecular consequence: missense variant. On other transcripts: non-coding transcript variant (1).
Genome position (GRCh38, 1-based): chr1:103,074,759, G>T on the plus strand (C>A on the coding strand, the complement: COL11A1 is on the minus strand). VCF-style: chr1-103074759-G-T. GRCh37 (hg19) VCF-style: chr1-103540315-G-T.
Other names: c.510C>A, p.Ser170Arg (NM_001168249.1, NM_001190709.2, NM_080629.3 and 1 more transcripts); short protein forms S170R.
Identifiers: ClinVar variation 2171664 (VCV002171664.5), dbSNP rs749497678, ClinGen allele CA27752909.
Genomic context (GRCh38, chr1:103,074,759, plus strand): 5'-AAGTGGTTTCGTGGTTTTCTTCTTACAATCAACAATCATTGTCACAGTTTTCTTCTCCAC[G>T]CTGATTGCTACCCGATGCCACCTAAAAAAGACAAGTAATTCTTTTGTAAGCTTCAAAGAA-3'
Protein context (NP_001845.3, residues 160-180): ADGKWHRVAI[Ser170Arg]VEKKTVTMIV